The following is an entry in ClinVar:

ClinVar aggregate classification (germline): Uncertain significance. Review status: criteria provided, multiple submitters, no conflicts (2 of 4 stars). 10 submissions from 6 submitters: Uncertain significance (10). Last evaluated 2026-09-01.

Conditions:
Autosomal recessive limb-girdle muscular dystrophy type 2J (LGMDR10). Also called: MUSCULAR DYSTROPHY, LIMB-GIRDLE, AUTOSOMAL RECESSIVE 10; Limb-girdle muscular dystrophy, type 2J. Identifiers: Orphanet 140922, MedGen C1837342, MONDO:0012127, OMIM 608807.
Dilated cardiomyopathy 1G (CMD1G). Identifiers: Orphanet 154, MedGen C1858763, MONDO:0011400, OMIM 604145.
Early-onset myopathy with fatal cardiomyopathy (CMYO5). Also called: CONGENITAL MYOPATHY 5 WITH CARDIOMYOPATHY; Salih Myopathy. Identifiers: Orphanet 289377, MedGen C2673677, MONDO:0012714, OMIM 611705. Disease mechanism: loss of function.
Hypertrophic cardiomyopathy 9. Also called: Familial hypertrophic cardiomyopathy 9. Identifiers: MedGen C1861065, MONDO:0013412, OMIM 613765.
Myopathy, myofibrillar, 9, with early respiratory failure (MFM9). Also called: Myopathy, distal, with early respiratory failure, autosomal dominant; Hereditary myopathy with early respiratory failure; EDSTROM MYOPATHY; MYOPATHY, PROXIMAL, WITH EARLY RESPIRATORY MUSCLE INVOLVEMENT. Identifiers: Orphanet 178464, Orphanet 34521, MedGen C1863599, MONDO:0011362, OMIM 603689.
Tibial muscular dystrophy (TMD). Also called: Tibial muscular dystrophy, tardive; Udd Distal Myopathy – Tibial Muscular Dystrophy; UDD MYOPATHY. Identifiers: Orphanet 609, MedGen C1838244, MONDO:0010870, OMIM 600334.

Allele frequency attached by ClinVar (database versions not stated): TOPMed 0.00002; gnomAD exomes 0.00002; gnomAD 0.00001.
gnomAD v4.1: 70 of 1,613,828 alleles (0.0043%); highest among the groups gnomAD compares: Admixed American, 0.013%; no homozygotes.

Submissions (10):

CeGaT Center for Human Genetics Tuebingen
Classification: Uncertain significance. Last evaluated: 2026-09-01. Review status: criteria provided, single submitter. Criteria: CeGaT Center For Human Genetics Tuebingen Variant Classification Criteria Version 2. Collection method: clinical testing. Allele origin: germline. Affected: yes. Observed: 2 variant alleles.
Comment: TTN: PM2, BP4

Athena Diagnostics
Classification: Uncertain significance. Last evaluated: 2022-07-08. Review status: criteria provided, single submitter. Criteria: Athena Diagnostics Criteria. Collection method: clinical testing. Allele origin: unknown.

Fulgent Genetics
Classification: Uncertain significance for Tibial muscular dystrophy; Myopathy, myofibrillar, 9, with early respiratory failure; Dilated cardiomyopathy 1G; Autosomal recessive limb-girdle muscular dystrophy type 2J; Early-onset myopathy with fatal cardiomyopathy; Hypertrophic cardiomyopathy 9. Last evaluated: 2021-10-18. Review status: criteria provided, single submitter. Criteria: ACMG Guidelines, 2015. Collection method: clinical testing. Allele origin: unknown.

Illumina Laboratory Services, Illumina
Classification: Uncertain significance for Dilated cardiomyopathy 1G. Last evaluated: 2018-01-12. Review status: criteria provided, single submitter. Criteria: ICSL Variant Classification Criteria 13 December 2019. Collection method: clinical testing. Allele origin: germline.

Illumina Laboratory Services, Illumina
Classification: Uncertain significance for Tibial muscular dystrophy. Last evaluated: 2018-01-12. Review status: criteria provided, single submitter. Criteria: ICSL Variant Classification Criteria 13 December 2019. Collection method: clinical testing. Allele origin: germline.

Illumina Laboratory Services, Illumina
Classification: Uncertain significance for Autosomal recessive limb-girdle muscular dystrophy type 2J. Last evaluated: 2018-01-12. Review status: criteria provided, single submitter. Criteria: ICSL Variant Classification Criteria 13 December 2019. Collection method: clinical testing. Allele origin: germline.

Illumina Laboratory Services, Illumina
Classification: Uncertain significance for Early-onset myopathy with fatal cardiomyopathy. Last evaluated: 2018-01-12. Review status: criteria provided, single submitter. Criteria: ICSL Variant Classification Criteria 13 December 2019. Collection method: clinical testing. Allele origin: germline.

Illumina Laboratory Services, Illumina
Classification: Uncertain significance for Myopathy, myofibrillar, 9, with early respiratory failure. Last evaluated: 2018-01-12. Review status: criteria provided, single submitter. Criteria: ICSL Variant Classification Criteria 13 December 2019. Collection method: clinical testing. Allele origin: germline.

Labcorp Genetics (formerly Invitae), Labcorp
Classification: Uncertain significance for Dilated cardiomyopathy 1G; Autosomal recessive limb-girdle muscular dystrophy type 2J. Last evaluated: 2016-10-29. Review status: criteria provided, single submitter. Criteria: Invitae Variant Classification Sherloc (09022015). Collection method: clinical testing. Allele origin: germline.

Laboratory for Molecular Medicine, Mass General Brigham Personalized Medicine
Classification: Uncertain significance. Last evaluated: 2011-12-15. Review status: criteria provided, single submitter. Criteria: LMM Criteria. Collection method: clinical testing. Allele origin: germline. Observed: 2 variant alleles.

NM_001267550.2(TTN):c.28877C>A (p.Ala9626Asp)

Gene: TTN (titin; minus strand). Cytogenetic location: 2q31.2.
Variant type: single nucleotide variant.
Coding change: c.28877C>A on transcript NM_001267550.2 (MANE Select); coding-DNA position 28877, C replaced by A.
Protein change: p.Ala9626Asp; replaces alanine 9626 with aspartic acid.
Molecular consequence: missense variant. On other transcripts: intron variant (3).
Genome position (GRCh38, 1-based): chr2:178,707,690, G>T on the plus strand (C>A on the coding strand, the complement: TTN is on the minus strand). VCF-style: chr2-178707690-G-T. GRCh37 (hg19) VCF-style: chr2-179572417-G-T.
Other names: c.25145C>A, p.Ala8382Asp (NM_133378.4); c.27926C>A, p.Ala9309Asp (NM_001256850.1); c.13282+30392C>A (NM_003319.4); c.13858+30392C>A (NM_133437.4); c.13657+30392C>A (NM_133432.3); c.28877C>A (NM_001267550.1); short protein forms A9626D, A8382D, A9309D.
Identifiers: ClinVar variation 46814 (VCV000046814.14), dbSNP rs397517530, ClinGen allele CA139266.
Genomic context (GRCh38, chr2:178,707,690, plus strand): 5'-ACAGCTGTCCCACTAGCAAAGCTGAAGCTGCATCTGTCTGAAGGCTTTATTTCCCTGCCA[G>T]CCTTCAACCACTGGATCCTAATTGGCTCAGATCCCTGGACATGGCAGCTGAGCTGCACGT-3'
Protein context (NP_001254479.2, residues 9616-9636): SEPIRIQWLK[Ala9626Asp]GREIKPSDRC